The following is an entry in ClinVar:

ClinVar aggregate classification (germline): Uncertain significance. Review status: criteria provided, multiple submitters, no conflicts (2 of 4 stars). 9 submissions from 9 submitters: Uncertain significance (8). 1 of the submissions does not count toward it. Last evaluated 2026-01-04.

Conditions:
Hereditary cancer-predisposing syndrome. Also called: Neoplastic Syndromes, Hereditary; Hereditary Cancer Syndrome; Tumor predisposition; Hereditary neoplastic syndrome. Identifiers: Orphanet 140162, MedGen C0027672, MeSH D009386, MONDO:0015356.
Familial cancer of breast. Also called: BREAST CANCER, FAMILIAL; hereditary breast carcinoma; Hereditary breast cancer. Identifiers: Orphanet 227535, MedGen C0346153, MONDO:0016419, OMIM 114480. Disease mechanism: loss of function.
Ataxia-telangiectasia syndrome (AT). Also called: Ataxia-telangiectasia, complementation group D; AT, COMPLEMENTATION GROUP C; Ataxia-telangiectasia; ATAXIA-TELANGIECTASIA, COMPLEMENTATION GROUP A; ATAXIA-TELANGIECTASIA, FRESNO VARIANT; Ataxia-telangiectasia, complementation group E. Identifiers: Orphanet 100, MedGen C0004135, MONDO:0008840, OMIM 208900.

Allele frequency attached by ClinVar (database versions not stated): gnomAD exomes 0.00002; ExAC 0.00003.
gnomAD v4.1: 14 of 1,614,070 alleles (0.00087%); highest among the groups gnomAD compares: Non-Finnish European, 0.0012%; no homozygotes.

Submissions (9):

Labcorp Genetics (formerly Invitae), Labcorp
Classification: Uncertain significance for Ataxia-telangiectasia syndrome. Last evaluated: 2026-01-04. Review status: criteria provided, single submitter. Criteria: Invitae Variant Classification Sherloc (09022015). Collection method: clinical testing. Allele origin: germline.
Comment: This sequence change replaces glutamine, which is neutral and polar, with histidine, which is basic and polar, at codon 2729 of the ATM protein (p.Gln2729His). This variant is present in population databases (rs587781946, gnomAD 0.004%). This missense change has been observed in individual(s) with breast cancer and/or prostate cancer (PMID: 24556621, 29335925, 35127508, 35264596, 35534704). ClinVar contains an entry for this variant (Variation ID: 141700). Invitae Evidence Modeling of protein sequence and biophysical properties (such as structural, functional, and spatial information, amino acid conservation, physicochemical variation, residue mobility, and thermodynamic stability) indicates that this missense variant is expected to disrupt ATM protein function with a positive predictive value of 80%. In summary, the available evidence is currently insufficient to determine the role of this variant in disease. Therefore, it has been classified as a Variant of Uncertain Significance.

Ambry Genetics
Classification: Uncertain significance for Hereditary cancer-predisposing syndrome. Last evaluated: 2024-03-22. Review status: criteria provided, single submitter. Criteria: Ambry Variant Classification Scheme 2023. Collection method: clinical testing. Allele origin: germline.
Comment: The p.Q2729H variant (also known as c.8187A>C), located in coding exon 55 of the ATM gene, results from an A to C substitution at nucleotide position 8187. The glutamine at codon 2729 is replaced by histidine, an amino acid with highly similar properties. This alteration has also been reported in 1/191 men with a personal and family history of prostate cancer (Leongamornlert D et al. Br. J. Cancer, 2014 Mar;110:1663-72). This amino acid position is highly conserved in available vertebrate species. In addition, this alteration is predicted to be deleterious by in silico analysis. Since supporting evidence is limited at this time, the clinical significance of this alteration remains unclear.

Blueprint Genetics
Classification: Uncertain significance. Last evaluated: 2024-03-05. Review status: criteria provided, single submitter. Criteria: ACMG Guidelines, 2015. Collection method: clinical testing. Allele origin: germline.

Baylor Genetics
Classification: Uncertain significance for Familial cancer of breast. Last evaluated: 2023-12-19. Review status: criteria provided, single submitter. Criteria: ACMG Guidelines, 2015. Collection method: clinical testing. Allele origin: unknown.

Women's Health and Genetics/Laboratory Corporation of America, LabCorp
Classification: Uncertain significance. Last evaluated: 2023-10-31. Review status: criteria provided, single submitter. Criteria: LabCorp Variant Classification Summary - May 2015. Collection method: clinical testing. Allele origin: germline.
Comment: Variant summary: ATM c.8187A>C (p.Gln2729His) results in a non-conservative amino acid change located in the Phosphatidylinositol 3-/4-kinase, catalytic domain (IPR000403) of the encoded protein sequence. Five of five in-silico tools predict a damaging effect of the variant on protein function. The variant allele was found at a frequency of 1.6e-05 in 251036 control chromosomes. The available data on variant occurrences in the general population are insufficient to allow any conclusion about variant significance. c.8187A>C has been reported in the literature in individuals with multiple cancer types, without evidence of causality, including breast Cancer (e.g. Guindalini_2022, Andrikopoulou_2021) male breast cancer (e.g. Fostira_2018), prostate cancer (e.g. Leongamornlert_2014, Karlsson_2021), melanoma (e.g. Dalmasso_2021), colorectal cancer (e.g. Randon_2019), chronic lymphocytic leukemia or other hemoatological malignancy (e.g. Lampson_2023), without cancer but with cancer family history (e.g. deOlivera_2022), and conversely, in control cohorts without a cancer phenotype (e.g. Tiao_2015, Karlsson_2021). These report(s) do not provide unequivocal conclusions about association of the variant with Breast Cancer. To our knowledge, no experimental evidence demonstrating an impact on protein function has been reported. The following publications have been ascertained in the context of this evaluation (PMID: 35127508, 34262154, 29335925, 35264596, 33436325, 36315919, 24556621, 30814645, 28652578, 35534704). Six submitters have cited clinical-significance assessments for this variant to ClinVar after 2014. All submitters classified the variant as uncertain significance. Based on the evidence outlined above, the variant was classified as uncertain significance.

GeneDx
Classification: Uncertain significance. Last evaluated: 2023-04-20. Review status: criteria provided, single submitter. Criteria: GeneDx Variant Classification Process June 2021. Collection method: clinical testing. Allele origin: germline. Affected: yes.
Comment: Not observed at significant frequency in large population cohorts (gnomAD); In silico analysis supports that this missense variant has a deleterious effect on protein structure/function; Observed in individuals with breast or prostate cancer (Leongamornlert et al., 2014; Fostira et al., 2018; Andrikopoulou et al., 2022; Guindalini et al., 2022); This variant is associated with the following publications: (PMID: 29678143, 25148578, 24556621, 29335925, 30814645, 35127508, 23532176, 15279808, 35226061, 35264596)

Color Diagnostics, LLC DBA Color Health
Classification: Uncertain significance for Hereditary cancer-predisposing syndrome. Last evaluated: 2019-06-22. Review status: criteria provided, single submitter. Criteria: ACMG Guidelines, 2015. Collection method: clinical testing. Allele origin: germline.

Mendelics
Classification: Uncertain significance for Ataxia-telangiectasia syndrome. Last evaluated: 2018-07-02. Review status: criteria provided, single submitter. Criteria: Mendelics Assertion Criteria 2017. Collection method: clinical testing. Allele origin: unknown.

Counsyl
Classification: Uncertain significance for Ataxia-telangiectasia syndrome. Last evaluated: 2017-04-28. Review status: no assertion criteria provided. Collection method: clinical testing. Allele origin: unknown. Not counted in ClinVar's aggregate classification.

Literature cited by the submitters: PubMed 24556621 (cited by 3 submitters); PubMed 29335925 (cited by 3 submitters); PubMed 35127508 (cited by Labcorp Genetics (formerly Invitae), Labcorp and Women's Health and Genetics/Laboratory Corporation of America, LabCorp); PubMed 35264596 (cited by Labcorp Genetics (formerly Invitae), Labcorp and Women's Health and Genetics/Laboratory Corporation of America, LabCorp); PubMed 35534704 (cited by Labcorp Genetics (formerly Invitae), Labcorp and Women's Health and Genetics/Laboratory Corporation of America, LabCorp); PubMed 28652578 (cited by Women's Health and Genetics/Laboratory Corporation of America, LabCorp); PubMed 30814645 (cited by Women's Health and Genetics/Laboratory Corporation of America, LabCorp); PubMed 33436325 (cited by Women's Health and Genetics/Laboratory Corporation of America, LabCorp); PubMed 34262154 (cited by Women's Health and Genetics/Laboratory Corporation of America, LabCorp); PubMed 36315919 (cited by Women's Health and Genetics/Laboratory Corporation of America, LabCorp).

NM_000051.4(ATM):c.8187A>C (p.Gln2729His)

Genes: ATM (ATM serine/threonine kinase; plus strand), C11orf65 (chromosome 11 open reading frame 65; minus strand). Cytogenetic location: 11q22.3.
Variant type: single nucleotide variant.
Coding change: c.8187A>C on transcript NM_000051.4 (MANE Select); coding-DNA position 8187, A replaced by C.
Protein change: p.Gln2729His; replaces glutamine 2729 with histidine.
Molecular consequence: missense variant. On other transcripts: intron variant (2).
Genome position (GRCh38, 1-based): chr11:108,335,880, A>C. VCF-style: chr11-108335880-A-C. GRCh37 (hg19) VCF-style: chr11-108206607-A-C.
Other names: c.8187A>C, p.Gln2729His (NM_001351834.2); c.641-26809T>G (NM_001330368.2); c.695-588T>G (NM_001351110.2); short protein forms Q2729H.
Identifiers: ClinVar variation 141700 (VCV000141700.29), dbSNP rs587781946, ClinGen allele CA166168.
Genomic context (GRCh38, chr11:108,335,880, plus strand): 5'-TTATTCATGCTTAATTATTCTGAAGGGCCGTGATGACCTGAGACAAGATGCTGTCATGCA[A>C]CAGGTCTTCCAGATGTGTAATACATTACTGCAGAGAAACACGGAAACTAGGAAGAGGAAA-3'
Protein context (NP_000042.3, residues 2719-2739): RDDLRQDAVM[Gln2729His]QVFQMCNTLL